The following is an entry in ClinVar:

NM_000525.4(KCNJ11):c.515C>T (p.Ala172Val)

Gene: KCNJ11 (potassium inwardly rectifying channel subfamily J member 11; minus strand). Cytogenetic location: 11p15.1.
Variant type: single nucleotide variant.
Coding change: c.515C>T on transcript NM_000525.4 (MANE Select); coding-DNA position 515, C replaced by T.
Protein change: p.Ala172Val; replaces alanine 172 with valine.
Molecular consequence: missense variant.
Genome position (GRCh38, 1-based): chr11:17,387,577, G>A on the plus strand (C>T on the coding strand, the complement: KCNJ11 is on the minus strand). VCF-style: chr11-17387577-G-A. GRCh37 (hg19) VCF-style: chr11-17409124-G-A.
Other names: c.254C>T, p.Ala85Val (NM_001166290.2, NM_001377296.1, NM_001377297.1); short protein forms A172V, A85V.
Identifiers: ClinVar variation 1338559 (VCV001338559.8), dbSNP rs1426834688, ClinGen allele CA379773113.
Genomic context (GRCh38, chr11:17,387,577, plus strand): 5'-CGCAGGGCGATCACCGCATGCTTGCTGAAGATGAGGGTCTCAGCCCTGCGGTGGGCTTGG[G>A]CAGTCTTCATGAAGATGCAGCCAAGCATGATGGCGTTGATCATGAGCCCCACGATGTTCT-3'
Protein context (NP_000516.3, residues 162-182): IMLGCIFMKT[Ala172Val]QAHRRAETLI

ClinVar aggregate classification (germline): Conflicting classifications of pathogenicity. Review status: criteria provided, conflicting classifications (1 of 4 stars). 3 submissions from 3 submitters: Likely pathogenic (2); Uncertain significance (1). Last evaluated 2025-07-29.

Submissions (3):

Women's Health and Genetics/Laboratory Corporation of America, LabCorp
Classification: Uncertain significance. Last evaluated: 2025-07-29. Review status: criteria provided, single submitter. Criteria: LabCorp Variant Classification Summary - May 2015. Collection method: clinical testing. Allele origin: germline.
Comment: Variant summary: KCNJ11 c.515C>T (p.Ala172Val) results in a non-conservative amino acid change located in the Inward rectifier potassium channel transmembrane domain (IPR040445) of the encoded protein sequence. Algorithms developed to predict the effect of missense changes on protein structure and function all suggest that this variant is likely to be disruptive. The variant was absent in 248814 control chromosomes (gnomAD). c.515C>T has been reported in the literature in compound heterozygous or homozygous individuals affected with Congenital Hyperinsulinism (Snider_2013, Li_2017). These data indicate that the variant may be associated with disease. To our knowledge, no experimental evidence demonstrating an impact on protein function has been reported. The following publications have been ascertained in the context of this evaluation (PMID: 28442472, 23275527). ClinVar contains an entry for this variant (Variation ID: 1338559). Based on the evidence outlined above, the variant was classified as VUS-possibly pathogenic.

Labcorp Genetics (formerly Invitae), Labcorp
Classification: Likely pathogenic. Last evaluated: 2024-02-29. Review status: criteria provided, single submitter. Criteria: Invitae Variant Classification Sherloc (09022015). Collection method: clinical testing. Allele origin: germline.
Comment: This sequence change replaces alanine, which is neutral and non-polar, with valine, which is neutral and non-polar, at codon 172 of the KCNJ11 protein (p.Ala172Val). This variant is not present in population databases (gnomAD no frequency). This missense change has been observed in individuals with autosomal recessive familial hyperinsulinism (PMID: 23275527, 28442472). ClinVar contains an entry for this variant (Variation ID: 1338559). Advanced modeling of protein sequence and biophysical properties (such as structural, functional, and spatial information, amino acid conservation, physicochemical variation, residue mobility, and thermodynamic stability) performed at Invitae indicates that this missense variant is expected to disrupt KCNJ11 protein function with a positive predictive value of 95%. In summary, the currently available evidence indicates that the variant is pathogenic, but additional data are needed to prove that conclusively. Therefore, this variant has been classified as Likely Pathogenic.

Genetic Services Laboratory, University of Chicago
Classification: Likely pathogenic. Last evaluated: 2019-11-11. Review status: criteria provided, single submitter. Criteria: ACMG Guidelines, 2015. Collection method: clinical testing. Allele origin: germline. Affected: yes.

Literature cited by the submitters: PubMed 23275527 (cited by Women's Health and Genetics/Laboratory Corporation of America, LabCorp and Labcorp Genetics (formerly Invitae), Labcorp); PubMed 28442472 (cited by Women's Health and Genetics/Laboratory Corporation of America, LabCorp and Labcorp Genetics (formerly Invitae), Labcorp).